The following is an entry in ClinVar:

ClinVar aggregate classification (germline): Uncertain significance. Review status: criteria provided, multiple submitters, no conflicts (2 of 4 stars). 3 submissions from 3 submitters: Uncertain significance (3). Last evaluated 2021-09-21.

Conditions:
Epilepsy, childhood absence, susceptibility to, 6. Identifiers: Orphanet 64280, MedGen C2749872, MONDO:0012763, OMIM 611942.
Hyperaldosteronism, familial, type IV (HALD4). Also called: FH IV; ALDOSTERONISM, PRIMARY, AND HYPERTENSION. Identifiers: Orphanet 642671, MedGen C4310756, MONDO:0014875, OMIM 617027.
Inborn genetic diseases. Identifiers: MedGen C0950123, MeSH D030342.
Idiopathic generalized epilepsy. Also called: EIG; Generalised epilepsy. Identifiers: MedGen C0270850, MONDO:0005579, OMIM 600669.

Allele frequency attached by ClinVar (database versions not stated): gnomAD 0.00001.
gnomAD v4.1: 10 of 1,523,760 alleles (0.00066%); highest among the groups gnomAD compares: African/African-American, 0.0028%; no homozygotes.

Submissions (3):

Fulgent Genetics
Classification: Uncertain significance for Epilepsy, childhood absence, susceptibility to, 6; Hyperaldosteronism, familial, type IV. Last evaluated: 2021-09-21. Review status: criteria provided, single submitter. Criteria: ACMG Guidelines, 2015. Collection method: clinical testing. Allele origin: unknown.

Ambry Genetics
Classification: Uncertain significance for Inborn genetic diseases. Last evaluated: 2021-06-10. Review status: criteria provided, single submitter. Criteria: Ambry Variant Classification Scheme 2023. Collection method: clinical testing. Allele origin: germline.

Labcorp Genetics (formerly Invitae), Labcorp
Classification: Uncertain significance for Idiopathic generalized epilepsy; Hyperaldosteronism, familial, type IV. Last evaluated: 2020-01-29. Review status: criteria provided, single submitter. Criteria: Invitae Variant Classification Sherloc (09022015). Collection method: clinical testing. Allele origin: germline.
Comment: In summary, the available evidence is currently insufficient to determine the role of this variant in disease. Therefore, it has been classified as a Variant of Uncertain Significance. Algorithms developed to predict the effect of missense changes on protein structure and function (SIFT, PolyPhen-2, Align-GVGD) all suggest that this variant is likely to be tolerated, but these predictions have not been confirmed by published functional studies and their clinical significance is uncertain. This variant has not been reported in the literature in individuals with CACNA1H-related conditions. This variant is not present in population databases (ExAC no frequency). This sequence change replaces glutamic acid with lysine at codon 2152 of the CACNA1H protein (p.Glu2152Lys). The glutamic acid residue is weakly conserved and there is a small physicochemical difference between glutamic acid and lysine.

NM_021098.3(CACNA1H):c.6454G>A (p.Glu2152Lys)

Gene: CACNA1H (calcium voltage-gated channel subunit alpha1 H; plus strand). Cytogenetic location: 16p13.3.
Variant type: single nucleotide variant.
Coding change: c.6454G>A on transcript NM_021098.3 (MANE Select); coding-DNA position 6454, G replaced by A.
Protein change: p.Glu2152Lys; replaces glutamic acid 2152 with lysine.
Molecular consequence: missense variant.
Genome position (GRCh38, 1-based): chr16:1,220,386, G>A. VCF-style: chr16-1220386-G-A. GRCh37 (hg19) VCF-style: chr16-1270386-G-A.
Other names: c.6454G>A (NM_021098.2); c.6436G>A, p.Glu2146Lys (NM_001005407.2); short protein forms E2146K, E2152K.
Identifiers: ClinVar variation 1026135 (VCV001026135.10), dbSNP rs761679939, ClinGen allele CA394149762.